The following is an entry in ClinVar:

ClinVar aggregate classification (germline): Uncertain significance. Review status: criteria provided, multiple submitters, no conflicts (2 of 4 stars). 2 submissions from 2 submitters: Uncertain significance (2). Last evaluated 2022-03-16.

Conditions:
Peroxisome biogenesis disorder 11A (Zellweger). Also called: Peroxisome biogenesis disorder 11A. Identifiers: Orphanet 912, MedGen C3554000, MONDO:0013949, OMIM 614883.

Allele frequency attached by ClinVar (database versions not stated): ExAC 0.00001; gnomAD exomes below 0.00001; TOPMed 0.00001.
gnomAD v4.1: 11 of 1,613,996 alleles (0.00068%); highest among the groups gnomAD compares: Non-Finnish European, 0.00059%; no homozygotes.

Submissions (2):

Labcorp Genetics (formerly Invitae), Labcorp
Classification: Uncertain significance for Peroxisome biogenesis disorder 11A (Zellweger). Last evaluated: 2022-03-16. Review status: criteria provided, single submitter. Criteria: Invitae Variant Classification Sherloc (09022015). Collection method: clinical testing. Allele origin: germline.
Comment: This sequence change replaces glycine, which is neutral and non-polar, with aspartic acid, which is acidic and polar, at codon 92 of the PEX13 protein (p.Gly92Asp). This variant is present in population databases (rs745620818, gnomAD 0.0009%). This variant has not been reported in the literature in individuals affected with PEX13-related conditions. ClinVar contains an entry for this variant (Variation ID: 501358). Algorithms developed to predict the effect of missense changes on protein structure and function (SIFT, PolyPhen-2, Align-GVGD) all suggest that this variant is likely to be tolerated. In summary, the available evidence is currently insufficient to determine the role of this variant in disease. Therefore, it has been classified as a Variant of Uncertain Significance.

Eurofins Ntd Llc (ga)
Classification: Uncertain significance. Last evaluated: 2017-04-11. Review status: criteria provided, single submitter. Criteria: EGL Classification Definitions 2015. Collection method: clinical testing. Allele origin: germline. Observed: 1 variant allele, 1 heterozygote.

NM_002618.4(PEX13):c.275G>A (p.Gly92Asp)

Gene: PEX13 (peroxisomal biogenesis factor 13; plus strand). Cytogenetic location: 2p15.
Variant type: single nucleotide variant.
Coding change: c.275G>A on transcript NM_002618.4 (MANE Select); coding-DNA position 275, G replaced by A.
Protein change: p.Gly92Asp; replaces glycine 92 with aspartic acid.
Molecular consequence: missense variant.
Genome position (GRCh38, 1-based): chr2:61,031,601, G>A. VCF-style: chr2-61031601-G-A. GRCh37 (hg19) VCF-style: chr2-61258736-G-A.
Other names: short protein forms G92D.
Identifiers: ClinVar variation 501358 (VCV000501358.10), dbSNP rs745620818, ClinGen allele CA1673266.